The following is an entry in ClinVar:

ClinVar aggregate classification (germline): Uncertain significance (1 of 4 stars; one submission).

Conditions:
PLXNA4-related disorder. Also called: PLXNA4-related condition.

Allele frequency attached by ClinVar (database versions not stated): ExAC 0.00001; gnomAD exomes 0.00002.
gnomAD v4.1: 33 of 1,614,176 alleles (0.002%); highest among the groups gnomAD compares: Non-Finnish European, 0.0026%; no homozygotes.

Submission:

PreventionGenetics, part of Exact Sciences
Classification: Uncertain significance for PLXNA4-related condition. Last evaluated: 2026-01-22. Review status: criteria provided, single submitter. Criteria: ACMG Guidelines, 2015. Collection method: clinical testing. Allele origin: germline.
Comment: The PLXNA4 c.4903C>T variant is predicted to result in the amino acid substitution p.Arg1635Cys. To our knowledge, this variant has not been reported in the literature. This variant is reported in 0.00088% of alleles in individuals of European (Non-Finnish) descent in gnomAD. At this time, the clinical significance of this variant is uncertain due to the absence of conclusive functional and genetic evidence.

NM_020911.2(PLXNA4):c.4903C>T (p.Arg1635Cys)

Gene: PLXNA4 (plexin A4; minus strand). Cytogenetic location: 7q32.3.
Variant type: single nucleotide variant.
Coding change: c.4903C>T on transcript NM_020911.2 (MANE Select); coding-DNA position 4903, C replaced by T.
Protein change: p.Arg1635Cys; replaces arginine 1635 with cysteine.
Molecular consequence: missense variant.
Genome position (GRCh38, 1-based): chr7:132,146,662, G>A on the plus strand (C>T on the coding strand, the complement: PLXNA4 is on the minus strand). VCF-style: chr7-132146662-G-A. GRCh37 (hg19) VCF-style: chr7-131831421-G-A.
Other names: c.4903C>T, p.Arg1635Cys (NM_001393897.1); short protein forms R1635C.
Identifiers: ClinVar variation 2628924 (VCV002628924.2), dbSNP rs778448954, ClinGen allele CA4489036.